The following is an entry in ClinVar:

NM_004714.3(DYRK1B):c.1228C>T (p.Arg410Cys)

Gene: DYRK1B (dual specificity tyrosine phosphorylation regulated kinase 1B; minus strand). Cytogenetic location: 19q13.2.
Variant type: single nucleotide variant.
Coding change: c.1228C>T on transcript NM_004714.3 (MANE Select); coding-DNA position 1228, C replaced by T.
Protein change: p.Arg410Cys; replaces arginine 410 with cysteine.
Molecular consequence: missense variant.
Genome position (GRCh38, 1-based): chr19:39,826,855, G>A on the plus strand (C>T on the coding strand, the complement: DYRK1B is on the minus strand). VCF-style: chr19-39826855-G-A. GRCh37 (hg19) VCF-style: chr19-40317495-G-A.
Other names: c.1228C>T (NM_004714.1, NM_004714.2); c.1108C>T, p.Arg370Cys (NM_006483.3); c.1144C>T, p.Arg382Cys (NM_006484.3); short protein forms R370C, R382C, R410C.
Identifiers: ClinVar variation 3393112 (VCV003393112.3).
Genomic context (GRCh38, chr19:39,826,855, plus strand): 5'-AGCCGTGCTGCAGAGCCCCCAGGGGGCTGATGCGGGCGGCGGGCTCATACTCCAGCATGC[G>A]CAGCACCAGGTCCTGGAAGCGGAGGTAGTCGGCGGGGCTGTGGCCCGGCTCCCCCGCCCG-3'
Protein context (NP_004705.1, residues 400-420): DYLRFQDLVL[Arg410Cys]MLEYEPAARI

ClinVar aggregate classification (germline): Uncertain significance. Review status: criteria provided, multiple submitters, no conflicts (2 of 4 stars). 3 submissions from 3 submitters: Uncertain significance (3). Last evaluated 2026-04-10.

Conditions:
DYRK1B-related disorder. Also called: DYRK1B-related condition.
Inborn genetic diseases. Identifiers: MedGen C0950123, MeSH D030342.
Abdominal obesity-metabolic syndrome 3 (AOMS3). Also called: CENTRAL OBESITY, TYPE 2 DIABETES, HYPERTENSION, AND EARLY-ONSET CORONARY ARTERY DISEASE. Identifiers: MedGen C4014361, MONDO:0014352, OMIM 615812.

gnomAD v4.1: 10 of 1,458,968 alleles (0.00069%); highest among the groups gnomAD compares: Middle Eastern, 0.018%; no homozygotes.

Submissions (3):

PreventionGenetics, part of Exact Sciences
Classification: Uncertain significance for DYRK1B-related condition. Last evaluated: 2026-04-10. Review status: criteria provided, single submitter. Criteria: ACMG Guidelines, 2015. Collection method: clinical testing. Allele origin: germline.
Comment: The DYRK1B c.1228C>T variant is predicted to result in the amino acid substitution p.Arg410Cys. To our knowledge, this variant has not been reported in the literature or in a large population database (gnomAD), indicating this variant is rare. At this time, the clinical significance of this variant is uncertain due to the absence of conclusive functional and genetic evidence.

Ambry Genetics
Classification: Uncertain significance for Inborn genetic diseases. Last evaluated: 2026-03-19. Review status: criteria provided, single submitter. Criteria: Ambry Variant Classification Scheme 2023. Collection method: clinical testing. Allele origin: germline.

Genomic Medicine Center of Excellence, King Faisal Specialist Hospital and Research Centre
Classification: Uncertain significance for Abdominal obesity-metabolic syndrome 3. Last evaluated: 2024-12-19. Review status: criteria provided, single submitter. Criteria: ACMG Guidelines, 2015. Collection method: clinical testing. Allele origin: germline.